The following is an entry in ClinVar:

NM_002860.4(ALDH18A1):c.718-7A>C

Gene: ALDH18A1 (aldehyde dehydrogenase 18 family member A1; minus strand). Cytogenetic location: 10q24.1.
Variant type: single nucleotide variant.
Coding change: c.718-7A>C on transcript NM_002860.4 (MANE Select); 7 bases into the intron before coding-DNA position 718, A replaced by C.
Molecular consequence: intron variant.
Genome position (GRCh38, 1-based): chr10:95,633,056, T>G on the plus strand (A>C on the coding strand, the complement: ALDH18A1 is on the minus strand). VCF-style: chr10-95633056-T-G. GRCh37 (hg19) VCF-style: chr10-97392813-T-G.
Other names: c.82-7A>C (NM_001323419.2); c.385-7A>C (NM_001323412.2, NM_001323416.2); c.613-7A>C (NM_001323417.2); c.712-7A>C (NM_001017423.2, NM_001323415.2); c.379-7A>C (NM_001323418.2); c.718-7A>C (NM_001323413.2, NM_001323414.2).
Identifiers: ClinVar variation 546650 (VCV000546650.46), dbSNP rs1230591674, ClinGen allele CA595355033.

ClinVar aggregate classification (germline): Conflicting classifications of pathogenicity. Review status: criteria provided, conflicting classifications (1 of 4 stars). 2 submissions from 2 submitters: Uncertain significance (1); Likely benign (1). Last evaluated 2025-08-01.

Conditions:
Cutis laxa, autosomal dominant 3 (ADCL3). Identifiers: Orphanet 90348, MedGen C4225268, MONDO:0014706, OMIM 616603.
Autosomal dominant spastic paraplegia type 9. Identifiers: MedGen C1832669, MONDO:0015091.
de Barsy syndrome. Also called: Cutis laxa-corneal clouding-oligophrenia syndrome. Identifiers: Orphanet 2962, MedGen C0268354, MONDO:0017569.

Allele frequency attached by ClinVar (database versions not stated): gnomAD exomes below 0.00001.
gnomAD v4.1: 2 of 1,612,592 alleles (0.00012%); highest among the groups gnomAD compares: Non-Finnish European, 0.00017%; no homozygotes.

Submissions (2):

CeGaT Center for Human Genetics Tuebingen
Classification: Uncertain significance. Last evaluated: 2025-08-01. Review status: criteria provided, single submitter. Criteria: CeGaT Center For Human Genetics Tuebingen Variant Classification Criteria Version 2. Collection method: clinical testing. Allele origin: germline. Affected: yes. Observed: 2 variant alleles.
Comment: ALDH18A1: PM2, BP4

Labcorp Genetics (formerly Invitae), Labcorp
Classification: Likely benign for Autosomal dominant spastic paraplegia type 9; de Barsy syndrome; Cutis laxa, autosomal dominant 3. Last evaluated: 2024-06-22. Review status: criteria provided, single submitter. Criteria: Invitae Variant Classification Sherloc (09022015). Collection method: clinical testing. Allele origin: germline.